The following is an entry in ClinVar:

ClinVar aggregate classification (germline): Pathogenic. Review status: criteria provided, single submitter (1 of 4 stars). 2 submissions from 2 submitters: Pathogenic (1). 1 of the submissions does not count toward it.

Conditions:
FAM20C-related disorder. Also called: FAM20C-related condition.
Lethal osteosclerotic bone dysplasia (RNS). Also called: Osteomalacia, sclerosing, with cerebral calcification. Identifiers: Orphanet 1832, MedGen C1850106, MONDO:0009821, OMIM 259775.

Allele frequency attached by ClinVar (database versions not stated): gnomAD exomes below 0.00001.
gnomAD v4.1: 1 of 1,536,944 alleles (0.000065%); highest among the groups gnomAD compares: Non-Finnish European, 0.000087%; no homozygotes.

Submissions (2):

Stanford Starfish Project, Stanford University
Classification: Pathogenic for Lethal osteosclerotic bone dysplasia. Review status: criteria provided, single submitter. Criteria: ACMG Guidelines, 2015. Collection method: provider interpretation. Allele origin: biparental. Inheritance: Autosomal recessive inheritance. Affected: yes. Observed: 1 homozygote.
Comment: This variant is located at the last nucleotide of exon 8 and is predicted to significantly weaken the canonical donor splice site. This variant is rare in large population databases with an allele frequency of 6.506e-7 per the Genome Aggregation Database. Prenatally identified with findings of severe craniofacial and multi suture synostoses, anterior and posterior encephaloceles, and protrusions of brain through posterior midline cranial lacunae. Findings confirmed on postnatal evaluation. Autopsy findings with additional finding of diffuse periventricular leukomalacia and dystrophic calcifications.

PreventionGenetics, part of Exact Sciences
Classification: Likely pathogenic for FAM20C-related condition. Last evaluated: 2023-12-15. Review status: no assertion criteria provided. Collection method: clinical testing. Allele origin: germline. Not counted in ClinVar's aggregate classification.
Comment: The FAM20C c.1445G>A variant is predicted to result in the amino acid substitution p.Gly482Glu. This variant is located at the last nucleotide of exon 8 and is predicted to significantly weaken the canonical donor splice site. In addition, this variant was found in the homozygous state in a proband featured with choanal atresia, multisutural synostosis, nose & midface hypoplasia, micrognathia, exorbitism, and cleft palate (Abstract #258, Journal of Investigative Medicine. January 2023 Volume 72, Issue 1). To our knowledge, this variant has not been reported in the literature or in a large population database, indicating this variant is rare. This variant is interpreted as likely pathogenic.

Literature cited by the submitters: PubMed 38163266 (cited by Stanford Starfish Project, Stanford University).

NM_020223.4(FAM20C):c.1445G>A (p.Gly482Glu)

Gene: FAM20C (FAM20C golgi associated secretory pathway kinase; plus strand). Cytogenetic location: 7p22.3.
Variant type: single nucleotide variant.
Coding change: c.1445G>A on transcript NM_020223.4 (MANE Select); coding-DNA position 1445, G replaced by A.
Protein change: p.Gly482Glu; replaces glycine 482 with glutamic acid.
Molecular consequence: missense variant.
Genome position (GRCh38, 1-based): chr7:257,086, G>A. VCF-style: chr7-257086-G-A. GRCh37 (hg19) VCF-style: chr7-297052-G-A.
Other names: short protein forms G482E.
Identifiers: ClinVar variation 3061677 (VCV003061677.3), dbSNP rs1461947497, ClinGen allele CA366525923.